The following is an entry in ClinVar:

NM_199242.3(UNC13D):c.286C>T (p.His96Tyr)

Gene: UNC13D (unc-13 homolog D; minus strand). Cytogenetic location: 17q25.1.
Variant type: single nucleotide variant.
Coding change: c.286C>T on transcript NM_199242.3 (MANE Select); coding-DNA position 286, C replaced by T.
Protein change: p.His96Tyr; replaces histidine 96 with tyrosine.
Molecular consequence: missense variant.
Genome position (GRCh38, 1-based): chr17:75,843,049, G>A on the plus strand (C>T on the coding strand, the complement: UNC13D is on the minus strand). VCF-style: chr17-75843049-G-A. GRCh37 (hg19) VCF-style: chr17-73839130-G-A.
Other names: short protein forms H96Y.
Identifiers: ClinVar variation 2040970 (VCV002040970.3), dbSNP rs774601988, ClinGen allele CA8773540.
Genomic context (GRCh38, chr17:75,843,049, plus strand): 5'-CAGGGGGACCCTGGCCCCAGGTTACCTCAAGCTCCCTGACCCGCTGCAGTGTCTGCTGGT[G>A]CTCCTCGGGCTCCACGTGGAAGGCCTGGTGGGGAGGCAGGCGGGTGGGTGGCTGGGGGCA-3'
Protein context (NP_954712.1, residues 86-106): QEAFHVEPEE[His96Tyr]QQTLQRVREL

ClinVar aggregate classification (germline): Uncertain significance. Review status: criteria provided, multiple submitters, no conflicts (2 of 4 stars). 2 submissions from 2 submitters: Uncertain significance (2). Last evaluated 2025-01-20.

Conditions:
Inborn genetic diseases. Identifiers: MedGen C0950123, MeSH D030342.
Familial hemophagocytic lymphohistiocytosis 3 (FHL3). Also called: UNC13D-Related Familial Hemophagocytic Lymphohistiocytosis (UNC13D-fHLH). Identifiers: Orphanet 540, MedGen C1837174, MONDO:0012146, OMIM 608898.

Allele frequency attached by ClinVar (database versions not stated): gnomAD 0.00001; gnomAD exomes 0.00001; ExAC 0.00003; TOPMed 0.00004.

Submissions (2):

Labcorp Genetics (formerly Invitae), Labcorp
Classification: Uncertain significance for Familial hemophagocytic lymphohistiocytosis 3. Last evaluated: 2025-01-20. Review status: criteria provided, single submitter. Criteria: Invitae Variant Classification Sherloc (09022015). Collection method: clinical testing. Allele origin: germline.
Comment: This sequence change replaces histidine, which is basic and polar, with tyrosine, which is neutral and polar, at codon 96 of the UNC13D protein (p.His96Tyr). This variant is present in population databases (rs774601988, gnomAD 0.02%). This variant has not been reported in the literature in individuals affected with UNC13D-related conditions. ClinVar contains an entry for this variant (Variation ID: 2040970). Invitae Evidence Modeling of protein sequence and biophysical properties (such as structural, functional, and spatial information, amino acid conservation, physicochemical variation, residue mobility, and thermodynamic stability) has been performed for this missense variant. However, the output from this modeling did not meet the statistical confidence thresholds required to predict the impact of this variant on UNC13D protein function. In summary, the available evidence is currently insufficient to determine the role of this variant in disease. Therefore, it has been classified as a Variant of Uncertain Significance.

Ambry Genetics
Classification: Uncertain significance for Inborn genetic diseases. Last evaluated: 2024-12-04. Review status: criteria provided, single submitter. Criteria: Ambry Variant Classification Scheme 2023. Collection method: clinical testing. Allele origin: germline.